The following is an entry in ClinVar:

ClinVar aggregate classification (germline): Uncertain significance. Review status: criteria provided, multiple submitters, no conflicts (2 of 4 stars). 2 submissions from 2 submitters: Uncertain significance (2). Last evaluated 2025-05-27.

Conditions:
Combined immunodeficiency due to MALT1 deficiency. Also called: Immunodeficiency 12. Identifiers: Orphanet 397964, MedGen C3809583, MONDO:0014197, OMIM 615468.
Inborn genetic diseases. Identifiers: MedGen C0950123, MeSH D030342.

Allele frequency attached by ClinVar (database versions not stated): gnomAD exomes below 0.00001 and 0.00001; ExAC 0.00002; gnomAD 0.00003; TOPMed 0.00003.
gnomAD v4.1: 10 of 1,613,678 alleles (0.00062%); highest among the groups gnomAD compares: Admixed American, 0.01%; no homozygotes.

Submissions (2):

Labcorp Genetics (formerly Invitae), Labcorp
Classification: Uncertain significance for Combined immunodeficiency due to MALT1 deficiency. Last evaluated: 2025-05-27. Review status: criteria provided, single submitter. Criteria: Invitae Variant Classification Sherloc (09022015). Collection method: clinical testing. Allele origin: germline.
Comment: This sequence change replaces leucine, which is neutral and non-polar, with phenylalanine, which is neutral and non-polar, at codon 695 of the MALT1 protein (p.Leu695Phe). This variant is present in population databases (rs747407753, gnomAD 0.01%). This variant has not been reported in the literature in individuals affected with MALT1-related conditions. ClinVar contains an entry for this variant (Variation ID: 643896). Invitae Evidence Modeling of protein sequence and biophysical properties (such as structural, functional, and spatial information, amino acid conservation, physicochemical variation, residue mobility, and thermodynamic stability) indicates that this missense variant is not expected to disrupt MALT1 protein function with a negative predictive value of 80%. In summary, the available evidence is currently insufficient to determine the role of this variant in disease. Therefore, it has been classified as a Variant of Uncertain Significance.

Ambry Genetics
Classification: Uncertain significance for Inborn genetic diseases. Last evaluated: 2024-08-07. Review status: criteria provided, single submitter. Criteria: Ambry Variant Classification Scheme 2023. Collection method: clinical testing. Allele origin: germline.

NM_006785.4(MALT1):c.2085G>T (p.Leu695Phe)

Gene: MALT1 (MALT1 paracaspase; plus strand). Cytogenetic location: 18q21.32.
Variant type: single nucleotide variant.
Coding change: c.2085G>T on transcript NM_006785.4 (MANE Select); coding-DNA position 2085, G replaced by T.
Protein change: p.Leu695Phe; replaces leucine 695 with phenylalanine.
Molecular consequence: missense variant.
Genome position (GRCh38, 1-based): chr18:58,747,452, G>T. VCF-style: chr18-58747452-G-T. GRCh37 (hg19) VCF-style: chr18-56414684-G-T.
Other names: c.2085G>T, p.Leu695Phe (LRG_1221t1); c.2085G>T (NM_006785.2); c.2052G>T, p.Leu684Phe (NM_173844.3); short protein forms L695F, L684F.
Identifiers: ClinVar variation 643896 (VCV000643896.8), dbSNP rs747407753, ClinGen allele CA8978061.
Genomic context (GRCh38, chr18:58,747,452, plus strand): 5'-TTTTCCTTTTCAGGAACATCTAGTCTTCACAGTATGTTTATCATATCAGTACTCAGGATT[G>T]GAAGATACTGTAGAGGACAAGCAGGAAGTGAATGTTGGGAAACCTCTCATTGCTAAATTA-3'
Protein context (NP_006776.1, residues 685-705): TVCLSYQYSG[Leu695Phe]EDTVEDKQEV